The following is an entry in ClinVar:

NM_001081.4(CUBN):c.8049del (p.Lys2683fs)

Gene: CUBN (cubilin; minus strand). Cytogenetic location: 10p13.
Variant type: Deletion.
Coding change: c.8049del on transcript NM_001081.4 (MANE Select); coding-DNA position 8049, one base deleted (G; older notation c.8049delG).
Protein change: p.Lys2683fs; shifts the reading frame from lysine 2683.
Molecular consequence: frameshift variant.
Genome position (GRCh38, 1-based): chr10:16,903,979, C deleted on the plus strand (G on the coding strand, the reverse complement: CUBN is on the minus strand). VCF-style (leftmost placement, unchanged base first): chr10-16903978-AC-A. GRCh37 (hg19) VCF-style: chr10-16945977-AC-A.
Other names: short protein forms K2683fs.
Identifiers: ClinVar variation 2009822 (VCV002009822.4), dbSNP rs1655263308, ClinGen allele CA1893359677.

ClinVar aggregate classification (germline): Pathogenic (1 of 4 stars; one submission).

Conditions:
Imerslund-Grasbeck syndrome. Also called: ENTEROCYTE COBALAMIN MALABSORPTION; ENTEROCYTE INTRINSIC FACTOR RECEPTOR, DEFECT OF; PERNICIOUS ANEMIA, JUVENILE, DUE TO SELECTIVE INTESTINAL MALABSORPTION OF VITAMIN B12, WITH PROTEINURIA; Megaloblastic anemia due to inborn errors of metabolism; Imerslund-Gräsbeck syndrome. Identifiers: Orphanet 35858, MedGen C4551825, MONDO:0009853.

Submission:

Labcorp Genetics (formerly Invitae), Labcorp
Classification: Pathogenic for Imerslund-Grasbeck syndrome. Last evaluated: 2022-06-23. Review status: criteria provided, single submitter. Criteria: Invitae Variant Classification Sherloc (09022015). Collection method: clinical testing. Allele origin: germline.
Comment: For these reasons, this variant has been classified as Pathogenic. This sequence change creates a premature translational stop signal (p.Lys2683Asnfs*12) in the CUBN gene. It is expected to result in an absent or disrupted protein product. Loss-of-function variants in CUBN are known to be pathogenic (PMID: 15024727, 22929189). This variant is not present in population databases (gnomAD no frequency). This variant has not been reported in the literature in individuals affected with CUBN-related conditions.

Literature cited by the submitters: PubMed 15024727; PubMed 22929189.